The following is an entry in ClinVar:

ClinVar aggregate classification (germline): Uncertain significance. Review status: criteria provided, multiple submitters, no conflicts (2 of 4 stars). 3 submissions from 3 submitters: Uncertain significance (3). Last evaluated 2025-01-06.

Conditions:
Nephronophthisis 16 (NPHP16). Identifiers: Orphanet 655, MedGen C3809320, MONDO:0014158, OMIM 615382.
Inborn genetic diseases. Identifiers: MedGen C0950123, MeSH D030342.

Allele frequency attached by ClinVar (database versions not stated): gnomAD 0.00001; TOPMed 0.00001; ExAC 0.00003; ESP Exome Variant Server 0.00008.
gnomAD v4.1: 45 of 1,598,344 alleles (0.0028%); highest among the groups gnomAD compares: Non-Finnish European, 0.0036%; no homozygotes.

Submissions (3):

GeneDx
Classification: Uncertain significance. Last evaluated: 2025-01-06. Review status: criteria provided, single submitter. Criteria: GeneDx Variant Classification Process June 2021. Collection method: clinical testing. Allele origin: germline. Affected: yes.
Comment: Not observed at significant frequency in large population cohorts (gnomAD); In silico analysis supports that this missense variant has a deleterious effect on protein structure/function; Has not been previously published as pathogenic or benign to our knowledge

Fulgent Genetics
Classification: Uncertain significance for Nephronophthisis 16. Last evaluated: 2024-03-28. Review status: criteria provided, single submitter. Criteria: ACMG Guidelines, 2015. Collection method: clinical testing. Allele origin: germline.

Ambry Genetics
Classification: Uncertain significance for Inborn genetic diseases. Last evaluated: 2023-05-22. Review status: criteria provided, single submitter. Criteria: Ambry Variant Classification Scheme 2023. Collection method: clinical testing. Allele origin: germline.

NM_173551.5(ANKS6):c.1901C>T (p.Ser634Leu)

Genes: ANKS6 (ankyrin repeat and sterile alpha motif domain containing 6; minus strand), LOC124310614 (Sharpr-MPRA regulatory region 9654; plus strand). Cytogenetic location: 9q22.33.
Variant type: single nucleotide variant.
Coding change: c.1901C>T on transcript NM_173551.5 (MANE Select); coding-DNA position 1901, C replaced by T.
Protein change: p.Ser634Leu; replaces serine 634 with leucine.
Molecular consequence: missense variant.
Genome position (GRCh38, 1-based): chr9:98,770,967, G>A on the plus strand (C>T on the coding strand, the complement: ANKS6 is on the minus strand). VCF-style: chr9-98770967-G-A. GRCh37 (hg19) VCF-style: chr9-101533249-G-A.
Other names: short protein forms S634L.
Identifiers: ClinVar variation 2549436 (VCV002549436.4), dbSNP rs373230756, ClinGen allele CA5153330.